The following is an entry in ClinVar:

ClinVar aggregate classification (germline): Likely pathogenic (1 of 4 stars; one submission).

Conditions:
Warburg micro syndrome 1 (WARBM1). Identifiers: Orphanet 2510, MedGen C1838625, MONDO:0010822, OMIM 600118.
Martsolf syndrome 2. Identifiers: MedGen C5543626, MONDO:0030376, OMIM 619420.

gnomAD v4.1: 1 of 1,610,744 alleles (0.000062%); highest among the groups gnomAD compares: Non-Finnish European, 0.000085%; no homozygotes.

Submission:

Juno Genomics, Hangzhou Juno Genomics, Inc
Classification: Likely pathogenic for Martsolf syndrome 2; Warburg micro syndrome 1. Review status: criteria provided, single submitter. Criteria: ACMG Guidelines, 2015. Collection method: clinical testing. Allele origin: germline.
Comment: Null variant in a gene where loss of function (LOF) is a known mechanism of disease.;Absent from controls (or at extremely low frequency if recessive) in Genome Aggregation Database.

NM_012233.3(RAB3GAP1):c.284-1G>C

Gene: RAB3GAP1 (RAB3 GTPase activating protein catalytic subunit 1; plus strand). Cytogenetic location: 2q21.3.
Variant type: single nucleotide variant.
Coding change: c.284-1G>C on transcript NM_012233.3 (MANE Select); the canonical splice acceptor site of the intron before coding-DNA position 284, G replaced by C.
Molecular consequence: splice acceptor variant.
Genome position (GRCh38, 1-based): chr2:135,093,614, G>C. VCF-style: chr2-135093614-G-C. GRCh37 (hg19) VCF-style: chr2-135851184-G-C.
Other names: c.284-1G>C (NM_001172435.2).
Identifiers: ClinVar variation 5006070 (VCV005006070.2).